The following is an entry in ClinVar:

ClinVar aggregate classification (germline): Conflicting classifications of pathogenicity. Review status: criteria provided, conflicting classifications (1 of 4 stars). 4 submissions from 4 submitters: Uncertain significance (1); Likely benign (3). Last evaluated 2025-11-05.

Conditions:
Inborn genetic diseases. Identifiers: MedGen C0950123, MeSH D030342.
Hypogonadotropic hypogonadism. Also called: Low gonadotropins (secondary hypogonadism); Hypogonadotrophic hypogonadism; Isolated hypogonadotropic hypogonadism; Hypogonadotropic hypogonadism with or without anosmia. Identifiers: Orphanet 432, MedGen C0271623, MONDO:0018555, HP:0000044.

Allele frequency attached by ClinVar (database versions not stated): gnomAD 0.00002; TOPMed 0.00002; ExAC 0.00006.

Submissions (4):

Ambry Genetics
Classification: Likely benign for Inborn genetic diseases. Last evaluated: 2025-11-05. Review status: criteria provided, single submitter. Criteria: Ambry Variant Classification Scheme 2023. Collection method: clinical testing. Allele origin: germline.

CeGaT Center for Human Genetics Tuebingen
Classification: Likely benign. Last evaluated: 2025-09-01. Review status: criteria provided, single submitter. Criteria: CeGaT Center For Human Genetics Tuebingen Variant Classification Criteria Version 2. Collection method: clinical testing. Allele origin: germline. Affected: yes. Observed: 1 variant allele.
Comment: SOX11: BS2

Labcorp Genetics (formerly Invitae), Labcorp
Classification: Uncertain significance. Last evaluated: 2024-12-02. Review status: criteria provided, single submitter. Criteria: Invitae Variant Classification Sherloc (09022015). Collection method: clinical testing. Allele origin: germline.
Comment: This sequence change replaces alanine, which is neutral and non-polar, with valine, which is neutral and non-polar, at codon 334 of the SOX11 protein (p.Ala334Val). The frequency data for this variant in the population databases is considered unreliable, as metrics indicate poor data quality at this position in the gnomAD database. This variant has not been reported in the literature in individuals affected with SOX11-related conditions. ClinVar contains an entry for this variant (Variation ID: 2977367). Invitae Evidence Modeling of protein sequence and biophysical properties (such as structural, functional, and spatial information, amino acid conservation, physicochemical variation, residue mobility, and thermodynamic stability) has been performed for this missense variant. However, the output from this modeling did not meet the statistical confidence thresholds required to predict the impact of this variant on SOX11 protein function. In summary, the available evidence is currently insufficient to determine the role of this variant in disease. Therefore, it has been classified as a Variant of Uncertain Significance.

Reproductive Endocrine Unit, Massachusetts General Hospital
Classification: Likely benign for HYPOGONADOTROPIC HYPOGONADISM. Last evaluated: 2024-06-25. Review status: criteria provided, single submitter. Criteria: ACMG Guidelines, 2015. Collection method: research. Allele origin: unknown. Affected: yes.
Comment: PM2,PP2,BP4,BP5

NM_003108.4(SOX11):c.1001C>T (p.Ala334Val)

Gene: SOX11 (SRY-box transcription factor 11; plus strand). Cytogenetic location: 2p25.2.
Variant type: single nucleotide variant.
Coding change: c.1001C>T on transcript NM_003108.4 (MANE Select); coding-DNA position 1001, C replaced by T.
Protein change: p.Ala334Val; replaces alanine 334 with valine.
Molecular consequence: missense variant.
Genome position (GRCh38, 1-based): chr2:5,693,722, C>T. VCF-style: chr2-5693722-C-T. GRCh37 (hg19) VCF-style: chr2-5833854-C-T.
Other names: c.1001C>T (NM_003108.3); short protein forms A334V.
Identifiers: ClinVar variation 2977367 (VCV002977367.9), dbSNP rs749826506, ClinGen allele CA1517967.